The following is an entry in ClinVar:

ClinVar aggregate classification (germline): Likely benign (1 of 4 stars; one submission).

Allele frequency attached by ClinVar (database versions not stated): ExAC below 0.00001.

Submission:

GeneDx
Classification: Likely benign. Last evaluated: 2016-06-02. Review status: criteria provided, single submitter. Criteria: GeneDx Variant Classification (06012015). Collection method: clinical testing. Allele origin: germline. Affected: yes.
Comment: This variant is considered likely benign or benign based on one or more of the following criteria: it is a conservative change, it occurs at a poorly conserved position in the protein, it is predicted to be benign by multiple in silico algorithms, and/or has population frequency not consistent with disease.

NM_000455.5(STK11):c.-10T>G

Gene: STK11 (serine/threonine kinase 11; plus strand). Cytogenetic location: 19p13.3.
Variant type: single nucleotide variant.
Coding change: c.-10T>G on transcript NM_000455.5 (MANE Select); 10 bases upstream of the start codon, T replaced by G.
Molecular consequence: 5 prime UTR variant.
Genome position (GRCh38, 1-based): chr19:1,206,904, T>G. VCF-style: chr19-1206904-T-G. GRCh37 (hg19) VCF-style: chr19-1206903-T-G.
Identifiers: ClinVar variation 385458 (VCV000385458.1), dbSNP rs748868995, ClinGen allele CA045174.